The following is an entry in ClinVar:

ClinVar aggregate classification (germline): not provided (0 of 4 stars; one submission).

Allele frequency attached by ClinVar (database versions not stated): gnomAD exomes below 0.00001.
gnomAD v4.1: 1 of 1,614,156 alleles (0.000062%); highest among the groups gnomAD compares: African/African-American, 0.0013%; no homozygotes.

Submission:

ITMI
No classification provided. Condition: AllHighlyPenetrant. Last evaluated: 2013-09-19. Review status: no classification provided. Collection method: reference population. Allele origin: germline.
Comment: Please see associated publication for description of ethnicities

Literature cited by the submitters: PubMed 24728327.

NM_003400.4(XPO1):c.1159T>C (p.Ser387Pro)

Gene: XPO1 (exportin 1; minus strand). Cytogenetic location: 2p15.
Variant type: single nucleotide variant.
Coding change: c.1159T>C on transcript NM_003400.4 (MANE Select); coding-DNA position 1159, T replaced by C.
Protein change: p.Ser387Pro; replaces serine 387 with proline.
Molecular consequence: missense variant.
Genome position (GRCh38, 1-based): chr2:61,493,980, A>G on the plus strand (T>C on the coding strand, the complement: XPO1 is on the minus strand). VCF-style: chr2-61493980-A-G. GRCh37 (hg19) VCF-style: chr2-61721115-A-G.
Other names: short protein forms S387P.
Identifiers: ClinVar variation 135493 (VCV000135493.1), dbSNP rs587778764, ClinGen allele CA162939.
Genomic context (GRCh38, chr2:61,493,980, plus strand): 5'-GTCTCCTGGGAGGAACATCAAAATGTTGACTTCCAGAAAGCAACGGAGAGGCAGATGTAG[A>G]GAATGGACTCTCTCTATAGAGTTCAGCAGCCAAATGATTCCAGTATTCAAGACAAATTTT-3'
Protein context (NP_003391.1, residues 377-397): AAELYRESPF[Ser387Pro]TSASPLLSGS